The following is an entry in ClinVar:

ClinVar aggregate classification (germline): Uncertain significance (1 of 4 stars; one submission).

Conditions:
Neurodevelopmental disorder with or without hyperkinetic movements and seizures, autosomal dominant. Also called: Intellectual disability, autosomal dominant 8. Identifiers: MedGen C3280282, MONDO:0013655, OMIM 614254.

Submission:

Labcorp Genetics (formerly Invitae), Labcorp
Classification: Uncertain significance for Neurodevelopmental disorder with or without hyperkinetic movements and seizures, autosomal dominant. Last evaluated: 2024-09-23. Review status: criteria provided, single submitter. Criteria: Invitae Variant Classification Sherloc (09022015). Collection method: clinical testing. Allele origin: germline.
Comment: This sequence change replaces leucine, which is neutral and non-polar, with proline, which is neutral and non-polar, at codon 538 of the GRIN1 protein (p.Leu538Pro). This variant is not present in population databases (gnomAD no frequency). This variant has not been reported in the literature in individuals affected with GRIN1-related conditions. ClinVar contains an entry for this variant (Variation ID: 1494602). Invitae Evidence Modeling of protein sequence and biophysical properties (such as structural, functional, and spatial information, amino acid conservation, physicochemical variation, residue mobility, and thermodynamic stability) has been performed for this missense variant. However, the output from this modeling did not meet the statistical confidence thresholds required to predict the impact of this variant on GRIN1 protein function. In summary, the available evidence is currently insufficient to determine the role of this variant in disease. Therefore, it has been classified as a Variant of Uncertain Significance.

NM_007327.4(GRIN1):c.1613T>C (p.Leu538Pro)

Gene: GRIN1 (glutamate ionotropic receptor NMDA type subunit 1; plus strand). Cytogenetic location: 9q34.3.
Variant type: single nucleotide variant.
Coding change: c.1613T>C on transcript NM_007327.4 (MANE Select); coding-DNA position 1613, T replaced by C.
Protein change: p.Leu538Pro; replaces leucine 538 with proline.
Molecular consequence: missense variant.
Genome position (GRCh38, 1-based): chr9:137,162,069, T>C. VCF-style: chr9-137162069-T-C. GRCh37 (hg19) VCF-style: chr9-140056521-T-C.
Other names: c.1676T>C, p.Leu559Pro (NM_001185090.2, NM_001185091.2); c.1613T>C, p.Leu538Pro (NM_021569.4, NM_000832.7); short protein forms L538P, L559P.
Identifiers: ClinVar variation 1494602 (VCV001494602.6), dbSNP rs2131296541, ClinGen allele CA375717514.
Genomic context (GRCh38, chr9:137,162,069, plus strand): 5'-CCATAAACAACGAGCGCGCGCAGTACATCGAGTTTTCCAAGCCCTTCAAGTACCAGGGCC[T>C]GACTATTCTGGTCAAGAAGGTGGGCAGGGGCCGGGTGGCGGGGTGGCGGCGGGGGGAGTC-3'
Protein context (NP_015566.1, residues 528-548): EFSKPFKYQG[Leu538Pro]TILVKKEIPR